The following is an entry in ClinVar:

NM_016148.5(SHANK1):c.630G>A (p.Ser210=)

Gene: SHANK1 (SH3 and multiple ankyrin repeat domains 1; minus strand). Cytogenetic location: 19q13.33.
Variant type: single nucleotide variant.
Coding change: c.630G>A on transcript NM_016148.5 (MANE Select); coding-DNA position 630, G replaced by A.
Protein change: p.Ser210=; no amino-acid change (serine 210 retained).
Molecular consequence: synonymous variant.
Genome position (GRCh38, 1-based): chr19:50,714,192, C>T on the plus strand (G>A on the coding strand, the complement: SHANK1 is on the minus strand). VCF-style: chr19-50714192-C-T. GRCh37 (hg19) VCF-style: chr19-51217449-C-T.
Identifiers: ClinVar variation 4873658 (VCV004873658.2).

ClinVar aggregate classification (germline): Likely benign (1 of 4 stars; one submission).

gnomAD v4.1: 23 of 1,613,918 alleles (0.0014%); highest among the groups gnomAD compares: African/African-American, 0.015%; no homozygotes.

Submission:

CeGaT Center for Human Genetics Tuebingen
Classification: Likely benign. Last evaluated: 2026-06-01. Review status: criteria provided, single submitter. Criteria: CeGaT Center For Human Genetics Tuebingen Variant Classification Criteria Version 2. Collection method: clinical testing. Allele origin: germline. Affected: yes. Observed: 1 variant allele.
Comment: SHANK1: BP4, BP7